The following is an entry in ClinVar:

NM_052874.5(STX1B):c.175G>T (p.Ala59Ser)

Gene: STX1B (syntaxin 1B; minus strand). Cytogenetic location: 16p11.2.
Variant type: single nucleotide variant.
Coding change: c.175G>T on transcript NM_052874.5 (MANE Select); coding-DNA position 175, G replaced by T.
Protein change: p.Ala59Ser; replaces alanine 59 with serine.
Molecular consequence: missense variant.
Genome position (GRCh38, 1-based): chr16:31,001,124, C>A on the plus strand (G>T on the coding strand, the complement: STX1B is on the minus strand). VCF-style: chr16-31001124-C-A. GRCh37 (hg19) VCF-style: chr16-31012445-C-A.
Other names: short protein forms A59S.
Identifiers: ClinVar variation 3684783 (VCV003684783.2).
Genomic context (GRCh38, chr16:31,001,124, plus strand): 5'-CACCCCACAGTCACCGGCAGCCACACTCACTCTCATCTGGGTTGGGTGCGGCCAGGATGG[C>A]GCTATGCTGTTTTTTCACCTGCTCCACATCCTCCGACAGTTTCTCAATGCAGCCCCGGAT-3'
Protein context (NP_443106.1, residues 49-69): DVEQVKKQHS[Ala59Ser]ILAAPNPDEK

ClinVar aggregate classification (germline): Uncertain significance (1 of 4 stars; one submission).

Conditions:
Generalized epilepsy with febrile seizures plus, type 9 (GEFSP9). Also called: GEFS+, TYPE 9. Identifiers: Orphanet 36387, MedGen C4015395, MONDO:0014517, OMIM 616172.

gnomAD v4.1: 31 of 1,614,030 alleles (0.0019%); highest among the groups gnomAD compares: Non-Finnish European, 0.0026%; no homozygotes.

Submission:

Labcorp Genetics (formerly Invitae), Labcorp
Classification: Uncertain significance for Generalized epilepsy with febrile seizures plus, type 9. Last evaluated: 2024-12-12. Review status: criteria provided, single submitter. Criteria: Invitae Variant Classification Sherloc (09022015). Collection method: clinical testing. Allele origin: germline.
Comment: This sequence change replaces alanine, which is neutral and non-polar, with serine, which is neutral and polar, at codon 59 of the STX1B protein (p.Ala59Ser). This variant is present in population databases (no rsID available, gnomAD 0.0009%). This variant has not been reported in the literature in individuals affected with STX1B-related conditions. Invitae Evidence Modeling of protein sequence and biophysical properties (such as structural, functional, and spatial information, amino acid conservation, physicochemical variation, residue mobility, and thermodynamic stability) indicates that this missense variant is not expected to disrupt STX1B protein function with a negative predictive value of 80%. In summary, the available evidence is currently insufficient to determine the role of this variant in disease. Therefore, it has been classified as a Variant of Uncertain Significance.